The following is an entry in ClinVar:

ClinVar aggregate classification (germline): Uncertain significance (1 of 4 stars; one submission).

Conditions:
Inborn genetic diseases. Identifiers: MedGen C0950123, MeSH D030342.

Submission:

Ambry Genetics
Classification: Uncertain significance for Inborn genetic diseases. Last evaluated: 2026-05-12. Review status: criteria provided, single submitter. Criteria: Ambry Variant Classification Scheme 2023. Collection method: clinical testing. Allele origin: germline.
Comment: The c.969C>T variant (also known as p.S323S), located in coding exon 5 of the WT1 gene, results from a C to T substitution at nucleotide position 969. This nucleotide substitution does not change the amino acid at codon 323. This nucleotide position is highly conserved in available vertebrate species. In silico splice site analysis predicts that this alteration may weaken the native splice acceptor site. Based on the available evidence, the clinical significance of this variant remains unclear.

NM_024426.6(WT1):c.984C>T (p.Ser328=)

Gene: WT1 (WT1 transcription factor; minus strand). Cytogenetic location: 11p13.
Variant type: single nucleotide variant.
Coding change: c.984C>T on transcript NM_024426.6 (MANE Select); coding-DNA position 984, C replaced by T.
Protein change: p.Ser328=; no amino-acid change (serine 328 retained).
Molecular consequence: synonymous variant. On other transcripts: non-coding transcript variant (1), intron variant (8).
Genome position (GRCh38, 1-based): chr11:32,416,522, G>A on the plus strand (C>T on the coding strand, the complement: WT1 is on the minus strand). VCF-style: chr11-32416522-G-A. GRCh37 (hg19) VCF-style: chr11-32438068-G-A.
Other names: c.333C>T, p.Ser111= (NM_001198551.2); c.984C>T, p.Ser328= (NM_001407044.1, NM_001407046.1, NM_024424.5); c.861C>T, p.Ser287= (NM_001407047.1); c.222C>T, p.Ser74= (NM_001407051.1); c.765C>T, p.Ser255= (NM_001429031.1, NM_001429032.1); c.842+1055C>T (NM_001407050.1); c.965+1055C>T (NM_001407048.1, NM_001407049.1, NM_000378.6 and 1 more transcripts); c.746+1055C>T (NM_001429034.1, NM_001429033.1); and 1 more.
Identifiers: ClinVar variation 4866811 (VCV004866811.1).